The following is an entry in ClinVar:

NM_000390.4(CHM):c.1275G>C (p.Gln425His)

Gene: CHM (CHM Rab escort protein; minus strand). Cytogenetic location: Xq21.2.
Variant type: single nucleotide variant.
Coding change: c.1275G>C on transcript NM_000390.4 (MANE Select); coding-DNA position 1275, G replaced by C.
Protein change: p.Gln425His; replaces glutamine 425 with histidine.
Molecular consequence: missense variant.
Genome position (GRCh38, 1-based): chrX:85,901,158, C>G on the plus strand (G>C on the coding strand, the complement: CHM is on the minus strand). VCF-style: chrX-85901158-C-G. GRCh37 (hg19) VCF-style: chrX-85156163-C-G.
Other names: c.831G>C, p.Gln277His (NM_001320959.1, NM_001362517.1, NM_001362518.2 and 1 more transcripts); short protein forms Q277H, Q425H.
Identifiers: ClinVar variation 1034490 (VCV001034490.9), dbSNP rs763252149, ClinGen allele CA413789851.

ClinVar aggregate classification (germline): Uncertain significance. Review status: criteria provided, single submitter (1 of 4 stars). 2 submissions from 2 submitters: Uncertain significance (1). 1 of the submissions does not count toward it. Last evaluated 2020-08-05.

Conditions:
Choroideremia. Also called: Chorioretinal scalloped atrophy. Identifiers: Orphanet 180, MedGen C0008525, MONDO:0010557, OMIM 303100, HP:0001139.

Submissions (2):

Labcorp Genetics (formerly Invitae), Labcorp
Classification: Uncertain significance. Last evaluated: 2020-08-05. Review status: criteria provided, single submitter. Criteria: Invitae Variant Classification Sherloc (09022015). Collection method: clinical testing. Allele origin: germline.
Comment: This variant has not been reported in the literature in individuals with CHM-related conditions. In summary, the available evidence is currently insufficient to determine the role of this variant in disease. Therefore, it has been classified as a Variant of Uncertain Significance. Algorithms developed to predict the effect of missense changes on protein structure and function are either unavailable or do not agree on the potential impact of this missense change (SIFT: "Deleterious"; PolyPhen-2: "Probably Damaging"; Align-GVGD: "Class C0"). This variant is not present in population databases (ExAC no frequency). This sequence change replaces glutamine with histidine at codon 425 of the CHM protein (p.Gln425His). The glutamine residue is moderately conserved and there is a small physicochemical difference between glutamine and histidine.

Natera, Inc.
Classification: Uncertain significance for Choroideremia. Last evaluated: 2020-11-16. Review status: no assertion criteria provided. Collection method: clinical testing. Allele origin: germline. Not counted in ClinVar's aggregate classification.